The following is an entry in ClinVar:

NM_005592.4(MUSK):c.2314G>A (p.Glu772Lys)

Gene: MUSK (muscle associated receptor tyrosine kinase; plus strand). Cytogenetic location: 9q31.3.
Variant type: single nucleotide variant.
Coding change: c.2314G>A on transcript NM_005592.4 (MANE Select); coding-DNA position 2314, G replaced by A.
Protein change: p.Glu772Lys; replaces glutamic acid 772 with lysine.
Molecular consequence: missense variant.
Genome position (GRCh38, 1-based): chr9:110,800,692, G>A. VCF-style: chr9-110800692-G-A. GRCh37 (hg19) VCF-style: chr9-113562972-G-A.
Other names: c.2056G>A, p.Glu686Lys (NM_001166280.2); c.2026G>A, p.Glu676Lys (NM_001166281.2); c.1054G>A, p.Glu352Lys (NM_001369398.1); short protein forms E686K, E352K, E772K, E676K.
Identifiers: ClinVar variation 1383849 (VCV001383849.6), dbSNP rs2132067786, ClinGen allele CA374479204.

ClinVar aggregate classification (germline): Uncertain significance (1 of 4 stars; one submission).

Conditions:
Fetal akinesia deformation sequence 1 (FADS1). Also called: Fetal akinesia sequence; Pena-Shokeir syndrome type I. Identifiers: Orphanet 994, MedGen C1276035, MONDO:0100101, OMIM 208150, HP:0001989.
Congenital myasthenic syndrome 9. Also called: Myasthenic syndrome, congenital, 9, associated with acetylcholine receptor deficiency. Identifiers: Orphanet 590, MedGen C4225368, MONDO:0014587, OMIM 616325.

Submission:

Labcorp Genetics (formerly Invitae), Labcorp
Classification: Uncertain significance for Congenital myasthenic syndrome 9; Fetal akinesia deformation sequence 1. Last evaluated: 2022-08-16. Review status: criteria provided, single submitter. Criteria: Invitae Variant Classification Sherloc (09022015). Collection method: clinical testing. Allele origin: germline.
Comment: This sequence change replaces glutamic acid, which is acidic and polar, with lysine, which is basic and polar, at codon 772 of the MUSK protein (p.Glu772Lys). This variant is not present in population databases (gnomAD no frequency). In summary, the available evidence is currently insufficient to determine the role of this variant in disease. Therefore, it has been classified as a Variant of Uncertain Significance. Advanced modeling of protein sequence and biophysical properties (such as structural, functional, and spatial information, amino acid conservation, physicochemical variation, residue mobility, and thermodynamic stability) performed at Invitae indicates that this missense variant is expected to disrupt MUSK protein function. ClinVar contains an entry for this variant (Variation ID: 1383849). This variant has not been reported in the literature in individuals affected with MUSK-related conditions.